The following is an entry in ClinVar:

NM_019032.6(ADAMTSL4):c.1829C>T (p.Thr610Ile)

Genes: ADAMTSL4 (ADAMTS like 4; plus strand), ADAMTSL4-AS2 (ADAMTSL4 antisense RNA 2; minus strand). Cytogenetic location: 1q21.2.
Variant type: single nucleotide variant.
Coding change: c.1829C>T on transcript NM_019032.6 (MANE Select); coding-DNA position 1829, C replaced by T.
Protein change: p.Thr610Ile; replaces threonine 610 with isoleucine.
Molecular consequence: missense variant. On other transcripts: intron variant (1).
Genome position (GRCh38, 1-based): chr1:150,557,018, C>T. VCF-style: chr1-150557018-C-T. GRCh37 (hg19) VCF-style: chr1-150529494-C-T.
Other names: c.1898C>T, p.Thr633Ile (NM_001288608.2); c.1829C>T, p.Thr610Ile (NM_001378596.1, NM_025008.5); c.1856+42C>T (NM_001288607.2); short protein forms T633I, T610I.
Identifiers: ClinVar variation 3712474 (VCV003712474.2).

ClinVar aggregate classification (germline): Uncertain significance (1 of 4 stars; one submission).

gnomAD v4.1: 2 of 1,614,004 alleles (0.00012%); no homozygotes.

Submission:

Labcorp Genetics (formerly Invitae), Labcorp
Classification: Uncertain significance. Last evaluated: 2024-08-29. Review status: criteria provided, single submitter. Criteria: Invitae Variant Classification Sherloc (09022015). Collection method: clinical testing. Allele origin: germline.
Comment: This sequence change replaces threonine, which is neutral and polar, with isoleucine, which is neutral and non-polar, at codon 610 of the ADAMTSL4 protein (p.Thr610Ile). This variant is not present in population databases (gnomAD no frequency). This variant has not been reported in the literature in individuals affected with ADAMTSL4-related conditions. Invitae Evidence Modeling of protein sequence and biophysical properties (such as structural, functional, and spatial information, amino acid conservation, physicochemical variation, residue mobility, and thermodynamic stability) indicates that this missense variant is not expected to disrupt ADAMTSL4 protein function with a negative predictive value of 80%. In summary, the available evidence is currently insufficient to determine the role of this variant in disease. Therefore, it has been classified as a Variant of Uncertain Significance.